The following is an entry in ClinVar:

ClinVar aggregate classification (germline): Pathogenic (1 of 4 stars; one submission).

Conditions:
Cardiovascular phenotype. Identifiers: MedGen CN230736.
Hereditary cancer-predisposing syndrome. Also called: Hereditary neoplastic syndrome; Neoplastic Syndromes, Hereditary; Tumor predisposition; Hereditary Cancer Syndrome. Identifiers: Orphanet 140162, MedGen C0027672, MeSH D009386, MONDO:0015356.

Submission:

Ambry Genetics
Classification: Pathogenic for Cardiovascular phenotype; Hereditary cancer-predisposing syndrome. Last evaluated: 2025-06-25. Review status: criteria provided, single submitter. Criteria: Ambry Variant Classification Scheme 2023. Collection method: clinical testing. Allele origin: germline.
Comment: The c.2360_2376del17 pathogenic mutation, located in coding exon 20 of the NF1 gene, results from a deletion of 17 nucleotides at nucleotide positions 2360 to 2376, causing a translational frameshift with a predicted alternate stop codon (p.A787Efs*14). This variant is considered to be rare based on population cohorts in the Genome Aggregation Database (gnomAD). This alteration is expected to result in loss of function by premature protein truncation or nonsense-mediated mRNA decay. As such, this alteration is interpreted as a disease-causing mutation.

NM_001042492.3(NF1):c.2360_2376del (p.Ala787fs)

Gene: NF1 (neurofibromin 1; plus strand). Cytogenetic location: 17q11.2.
Variant type: Deletion.
Coding change: c.2360_2376del on transcript NM_001042492.3 (MANE Select); coding-DNA positions 2360 to 2376, 17 bases deleted (CAACAAAGCTAATCCTT).
Protein change: p.Ala787fs; shifts the reading frame from alanine 787.
Molecular consequence: frameshift variant.
Genome position (GRCh38, 1-based): chr17:31,227,557-31,227,573, CAACAAAGCTAATCCTT deleted. VCF-style (leftmost placement, unchanged base first): chr17-31227556-GCAACAAAGCTAATCCTT-G. GRCh37 (hg19) VCF-style: chr17-29554574-GCAACAAAGCTAATCCTT-G.
Other names: c.2360_2376del, p.Ala787fs (NM_000267.4); short protein forms A787fs.
Identifiers: ClinVar variation 4119049 (VCV004119049.1).